The following is an entry in ClinVar:

ClinVar aggregate classification (germline): Uncertain significance. Review status: criteria provided, multiple submitters, no conflicts (2 of 4 stars). 5 submissions from 5 submitters: Uncertain significance (5). Last evaluated 2025-12-19.

Conditions:
TTN-related disorder. Also called: TTN-related condition; TTN-related disease; TTN-related disorders.
Autosomal recessive limb-girdle muscular dystrophy type 2J (LGMDR10). Also called: MUSCULAR DYSTROPHY, LIMB-GIRDLE, AUTOSOMAL RECESSIVE 10; Limb-girdle muscular dystrophy, type 2J. Identifiers: Orphanet 140922, MedGen C1837342, MONDO:0012127, OMIM 608807.
Hypertrophic cardiomyopathy 9. Also called: Familial hypertrophic cardiomyopathy 9. Identifiers: MedGen C1861065, MONDO:0013412, OMIM 613765.
Early-onset myopathy with fatal cardiomyopathy (CMYO5). Also called: CONGENITAL MYOPATHY 5 WITH CARDIOMYOPATHY; Salih Myopathy. Identifiers: Orphanet 289377, MedGen C2673677, MONDO:0012714, OMIM 611705. Disease mechanism: loss of function.
Dilated cardiomyopathy 1G (CMD1G). Identifiers: Orphanet 154, MedGen C1858763, MONDO:0011400, OMIM 604145.
Myopathy, myofibrillar, 9, with early respiratory failure (MFM9). Also called: Myopathy, distal, with early respiratory failure, autosomal dominant; EDSTROM MYOPATHY; MYOPATHY, PROXIMAL, WITH EARLY RESPIRATORY MUSCLE INVOLVEMENT; Hereditary myopathy with early respiratory failure. Identifiers: Orphanet 178464, Orphanet 34521, MedGen C1863599, MONDO:0011362, OMIM 603689.
Tibial muscular dystrophy (TMD). Also called: Tibial muscular dystrophy, tardive; UDD MYOPATHY; Udd Distal Myopathy – Tibial Muscular Dystrophy. Identifiers: Orphanet 609, MedGen C1838244, MONDO:0010870, OMIM 600334.

Allele frequency attached by ClinVar (database versions not stated): TOPMed below 0.00001; gnomAD 0.00001.
gnomAD v4.1: 1 of 1,613,698 alleles (0.000062%); highest among the groups gnomAD compares: Non-Finnish European, 0.000085%; no homozygotes.

Submissions (5):

Women's Health and Genetics/Laboratory Corporation of America, LabCorp
Classification: Uncertain significance. Last evaluated: 2025-12-19. Review status: criteria provided, single submitter. Criteria: LabCorp Variant Classification Summary - May 2015. Collection method: clinical testing. Allele origin: germline.
Comment: Variant summary: TTN c.87530T>G (p.Val29177Gly) results in a non-conservative amino acid change in the encoded protein sequence. Algorithms developed to predict the effect of missense changes on protein structure and function all suggest that this variant is likely to be disruptive. The variant was absent in 248490 control chromosomes. The available data on variant occurrences in the general population are insufficient to allow any conclusion about variant significance. c.87530T>G has been observed in individual(s) affected with Autosomal Recessive Titinopathy (example: Gohlke_2024). These data do not allow any conclusion about variant significance. To our knowledge, no experimental evidence demonstrating an impact on protein function has been reported. The following publication have been ascertained in the context of this evaluation (PMID: 39277846). ClinVar contains an entry for this variant (Variation ID: 281226). Based on the evidence outlined above, the variant was classified as uncertain significance.

PreventionGenetics, part of Exact Sciences
Classification: Uncertain significance for TTN-related condition. Last evaluated: 2024-12-19. Review status: criteria provided, single submitter. Criteria: ACMG Guidelines, 2015. Collection method: clinical testing. Allele origin: germline.
Comment: The TTN c.95234T>G variant is predicted to result in the amino acid substitution p.Val31745Gly. This variant has been reported in the compound heterozygous state with a nonsense variant in the I-band of TTN in an individual with suspected autosomal recessive TTN-related disorder. The heterozygous carriers of c.95234T>G (p.Val31745Gly) were reported to be unaffected in this family (Gohlke et al. 2024. PubMed ID: 39277846). This variant has not been reported in a large population database (gnomAD), indicating this variant is rare. At this time, the clinical significance of this variant is uncertain due to the absence of conclusive functional and genetic evidence.

Fulgent Genetics
Classification: Uncertain significance for Tibial muscular dystrophy; Myopathy, myofibrillar, 9, with early respiratory failure; Dilated cardiomyopathy 1G; Autosomal recessive limb-girdle muscular dystrophy type 2J; Early-onset myopathy with fatal cardiomyopathy; Hypertrophic cardiomyopathy 9. Last evaluated: 2021-11-16. Review status: criteria provided, single submitter. Criteria: ACMG Guidelines, 2015. Collection method: clinical testing. Allele origin: unknown.

Revvity Omics, Revvity
Classification: Uncertain significance. Last evaluated: 2020-09-14. Review status: criteria provided, single submitter. Criteria: ACMG Guidelines, 2015. Collection method: clinical testing. Allele origin: germline.

Eurofins Ntd Llc (ga)
Classification: Uncertain significance. Last evaluated: 2015-09-08. Review status: criteria provided, single submitter. Criteria: EGL Classification Definitions 2015. Collection method: clinical testing. Allele origin: germline. Observed: 1 variant allele, 1 heterozygote.

Literature cited by the submitters: PubMed 39277846 (cited by Women's Health and Genetics/Laboratory Corporation of America, LabCorp).

NM_001267550.2(TTN):c.95234T>G (p.Val31745Gly)

Genes: TTN (titin; minus strand), TTN-AS1 (TTN antisense RNA 1; plus strand). Cytogenetic location: 2q31.2.
Variant type: single nucleotide variant.
Coding change: c.95234T>G on transcript NM_001267550.2 (MANE Select); coding-DNA position 95234, T replaced by G.
Protein change: p.Val31745Gly; replaces valine 31745 with glycine.
Molecular consequence: missense variant.
Genome position (GRCh38, 1-based): chr2:178,546,002, A>C on the plus strand (T>G on the coding strand, the complement: TTN is on the minus strand). VCF-style: chr2-178546002-A-C. GRCh37 (hg19) VCF-style: chr2-179410729-A-C.
Other names: c.90311T>G, p.Val30104Gly (NM_001256850.1); c.68039T>G, p.Val22680Gly (NM_003319.4); c.87530T>G, p.Val29177Gly (NM_133378.4); c.68414T>G, p.Val22805Gly (NM_133432.3); c.68615T>G, p.Val22872Gly (NM_133437.4); short protein forms V29177G, V31745G, V22805G, V30104G, V22680G, V22872G.
Identifiers: ClinVar variation 281226 (VCV000281226.11), dbSNP rs886042114, ClinGen allele CA10603824.